The following is an entry in ClinVar:

NM_006922.4(SCN3A):c.5952C>T (p.Asp1984=)

Gene: SCN3A (sodium voltage-gated channel alpha subunit 3; minus strand). Cytogenetic location: 2q24.3.
Variant type: single nucleotide variant.
Coding change: c.5952C>T on transcript NM_006922.4 (MANE Select); coding-DNA position 5952, C replaced by T.
Protein change: p.Asp1984=; no amino-acid change (aspartic acid 1984 retained).
Molecular consequence: synonymous variant.
Genome position (GRCh38, 1-based): chr2:165,090,201, G>A on the plus strand (C>T on the coding strand, the complement: SCN3A is on the minus strand). VCF-style: chr2-165090201-G-A. GRCh37 (hg19) VCF-style: chr2-165946711-G-A.
Other names: c.5805C>T, p.Asp1935= (NM_001081676.2, NM_001081677.2).
Identifiers: ClinVar variation 498232 (VCV000498232.19), dbSNP rs145197227, ClinGen allele CA1938328.

ClinVar aggregate classification (germline): Benign/Likely benign. Review status: criteria provided, multiple submitters, no conflicts (2 of 4 stars). 5 submissions from 5 submitters: Benign (1); Likely benign (3). 1 of the submissions does not count toward it. Last evaluated 2026-02-03.

Conditions:
SCN3A-related disorder. Also called: SCN3A-related condition.

Allele frequency attached by ClinVar (database versions not stated): gnomAD exomes 0.00010 and 0.00034; ExAC 0.00072; 1000 Genomes Project 0.00140; 1000 Genomes Project 30x 0.00141; gnomAD 0.00142 and 0.00156; TOPMed 0.00161; ESP Exome Variant Server 0.00192.
gnomAD v4.1: 375 of 1,603,868 alleles (0.023%); highest among the groups gnomAD compares: African/African-American, 0.44%; no homozygotes.

Submissions (5):

Labcorp Genetics (formerly Invitae), Labcorp
Classification: Benign. Last evaluated: 2026-02-03. Review status: criteria provided, single submitter. Criteria: Invitae Variant Classification Sherloc (09022015). Collection method: clinical testing. Allele origin: germline.

Blueprint Genetics
Classification: Likely benign. Last evaluated: 2024-06-04. Review status: criteria provided, single submitter. Criteria: ACMG Guidelines, 2015. Collection method: clinical testing. Allele origin: germline.

Eurofins Ntd Llc (ga)
Classification: Likely benign. Last evaluated: 2016-12-06. Review status: criteria provided, single submitter. Criteria: EGL Classification Definitions 2015. Collection method: clinical testing. Allele origin: germline. Observed: 1 variant allele, 1 heterozygote.

Breakthrough Genomics
Classification: Likely benign. Review status: criteria provided, single submitter. Criteria: ACMG Guidelines, 2015. Collection method: not provided. Allele origin: germline. Inheritance: Autosomal dominant inheritance. Affected: yes.

PreventionGenetics, part of Exact Sciences
Classification: Benign for SCN3A-related condition. Last evaluated: 2019-11-06. Review status: no assertion criteria provided. Collection method: clinical testing. Allele origin: germline. Not counted in ClinVar's aggregate classification.
Comment: This variant is classified as benign based on ACMG/AMP sequence variant interpretation guidelines (Richards et al. 2015 PMID: 25741868, with internal and published modifications).